The following is an entry in ClinVar:

NM_000064.4(C3):c.2773G>A (p.Val925Ile)

Gene: C3 (complement C3; minus strand). Cytogenetic location: 19p13.3.
Variant type: single nucleotide variant.
Coding change: c.2773G>A on transcript NM_000064.4 (MANE Select); coding-DNA position 2773, G replaced by A.
Protein change: p.Val925Ile; replaces valine 925 with isoleucine.
Molecular consequence: missense variant.
Genome position (GRCh38, 1-based): chr19:6,697,367, C>T on the plus strand (G>A on the coding strand, the complement: C3 is on the minus strand). VCF-style: chr19-6697367-C-T. GRCh37 (hg19) VCF-style: chr19-6697378-C-T.
Other names: short protein forms V925I.
Identifiers: ClinVar variation 2867816 (VCV002867816.4), dbSNP rs1282976875, ClinGen allele CA403632594.
Genomic context (GRCh38, chr19:6,697,367, plus strand): 5'-TGAAGGACAAGGGTTTGTGGGTGCCCCAAGCACTCACCACGACCTTCAGGGACTTCCTGA[C>T]ACCGTCACTGATGAAATGATGGTAGACAGCAGCCTTGACTTCCACTTCCTGCAGGCCGGT-3'
Protein context (NP_000055.2, residues 915-935): AVYHHFISDG[Val925Ile]RKSLKVVPEG

ClinVar aggregate classification (germline): Uncertain significance. Review status: criteria provided, multiple submitters, no conflicts (2 of 4 stars). 2 submissions from 2 submitters: Uncertain significance (2). Last evaluated 2023-06-21.

Allele frequency attached by ClinVar (database versions not stated): gnomAD exomes 0.00001; gnomAD 0.00005.
gnomAD v4.1: 12 of 1,613,886 alleles (0.00074%); highest among the groups gnomAD compares: Non-Finnish European, 0.001%; no homozygotes.

Submissions (2):

Labcorp Genetics (formerly Invitae), Labcorp
Classification: Uncertain significance. Last evaluated: 2023-06-21. Review status: criteria provided, single submitter. Criteria: Invitae Variant Classification Sherloc (09022015). Collection method: clinical testing. Allele origin: germline.
Comment: This sequence change replaces valine, which is neutral and non-polar, with isoleucine, which is neutral and non-polar, at codon 925 of the C3 protein (p.Val925Ile). This variant is present in population databases (no rsID available, gnomAD 0.009%). This variant has not been reported in the literature in individuals affected with C3-related conditions. Advanced modeling of protein sequence and biophysical properties (such as structural, functional, and spatial information, amino acid conservation, physicochemical variation, residue mobility, and thermodynamic stability) performed at Invitae indicates that this missense variant is not expected to disrupt C3 protein function. In summary, the available evidence is currently insufficient to determine the role of this variant in disease. Therefore, it has been classified as a Variant of Uncertain Significance.

Blueprint Genetics
Classification: Uncertain significance. Last evaluated: 2020-08-14. Review status: criteria provided, single submitter. Criteria: ACMG Guidelines, 2015. Collection method: clinical testing. Allele origin: germline.